The following is an entry in ClinVar:

ClinVar aggregate classification (germline): Uncertain significance. Review status: criteria provided, multiple submitters, no conflicts (2 of 4 stars). 4 submissions from 4 submitters: Uncertain significance (3). 1 of the submissions does not count toward it. Last evaluated 2025-02-10.

Conditions:
Bardet-Biedl syndrome (BBS). Identifiers: Orphanet 110, MedGen C0752166, MONDO:0015229.
Inborn genetic diseases. Identifiers: MedGen C0950123, MeSH D030342.
Bardet-Biedl syndrome 7 (BBS7). Identifiers: Orphanet 110, MedGen C1859565, MONDO:0014435, OMIM 615984.
BBS7-related disorder. Also called: BBS7-related condition.

Allele frequency attached by ClinVar (database versions not stated): ExAC 0.00005; gnomAD exomes 0.00006; gnomAD 0.00008 and 0.00009; TOPMed 0.00015.
gnomAD v4.1: 48 of 1,611,534 alleles (0.003%); highest among the groups gnomAD compares: African/African-American, 0.015%; no homozygotes.

Submissions (4):

Ambry Genetics
Classification: Uncertain significance for Inborn genetic diseases. Last evaluated: 2025-02-10. Review status: criteria provided, single submitter. Criteria: Ambry Variant Classification Scheme 2023. Collection method: clinical testing. Allele origin: germline.

Labcorp Genetics (formerly Invitae), Labcorp
Classification: Uncertain significance for Bardet-Biedl syndrome. Last evaluated: 2024-12-20. Review status: criteria provided, single submitter. Criteria: Invitae Variant Classification Sherloc (09022015). Collection method: clinical testing. Allele origin: germline.
Comment: This sequence change replaces proline, which is neutral and non-polar, with leucine, which is neutral and non-polar, at codon 64 of the BBS7 protein (p.Pro64Leu). This variant is present in population databases (rs747055521, gnomAD 0.03%). This variant has not been reported in the literature in individuals affected with BBS7-related conditions. ClinVar contains an entry for this variant (Variation ID: 1052715). Invitae Evidence Modeling of protein sequence and biophysical properties (such as structural, functional, and spatial information, amino acid conservation, physicochemical variation, residue mobility, and thermodynamic stability) indicates that this missense variant is not expected to disrupt BBS7 protein function with a negative predictive value of 80%. In summary, the available evidence is currently insufficient to determine the role of this variant in disease. Therefore, it has been classified as a Variant of Uncertain Significance.

Fulgent Genetics
Classification: Uncertain significance for Bardet-Biedl syndrome 7. Last evaluated: 2021-12-15. Review status: criteria provided, single submitter. Criteria: ACMG Guidelines, 2015. Collection method: clinical testing. Allele origin: unknown.

PreventionGenetics, part of Exact Sciences
Classification: Uncertain significance for BBS7-related condition. Last evaluated: 2024-05-10. Review status: no assertion criteria provided. Collection method: clinical testing. Allele origin: germline. Not counted in ClinVar's aggregate classification.
Comment: The BBS7 c.191C>T variant is predicted to result in the amino acid substitution p.Pro64Leu. To our knowledge, this variant has not been reported in the literature. This variant is reported in 0.032% of alleles in individuals of African descent in gnomAD. At this time, the clinical significance of this variant is uncertain due to the absence of conclusive functional and genetic evidence.

NM_176824.3(BBS7):c.191C>T (p.Pro64Leu)

Gene: BBS7 (Bardet-Biedl syndrome 7; minus strand). Cytogenetic location: 4q27.
Variant type: single nucleotide variant.
Coding change: c.191C>T on transcript NM_176824.3 (MANE Select); coding-DNA position 191, C replaced by T.
Protein change: p.Pro64Leu; replaces proline 64 with leucine.
Molecular consequence: missense variant.
Genome position (GRCh38, 1-based): chr4:121,861,654, G>A on the plus strand (C>T on the coding strand, the complement: BBS7 is on the minus strand). VCF-style: chr4-121861654-G-A. GRCh37 (hg19) VCF-style: chr4-122782809-G-A.
Other names: c.191C>T (NM_176824.2); c.191C>T, p.Pro64Leu (NM_018190.4); short protein forms P64L.
Identifiers: ClinVar variation 1052715 (VCV001052715.9), dbSNP rs747055521, ClinGen allele CA3064559.